The following is an entry in ClinVar:

ClinVar aggregate classification (germline): Uncertain significance (1 of 4 stars; one submission).

Conditions:
Hereditary cancer-predisposing syndrome. Also called: Neoplastic Syndromes, Hereditary; Hereditary Cancer Syndrome; Tumor predisposition; Hereditary neoplastic syndrome. Identifiers: Orphanet 140162, MedGen C0027672, MeSH D009386, MONDO:0015356.

Submission:

Ambry Genetics
Classification: Uncertain significance for Hereditary cancer-predisposing syndrome. Last evaluated: 2023-01-18. Review status: criteria provided, single submitter. Criteria: Ambry Variant Classification Scheme 2023. Collection method: clinical testing. Allele origin: germline.
Comment: The p.L39P variant (also known as c.116T>C), located in coding exon 1 of the RAD51C gene, results from a T to C substitution at nucleotide position 116. The leucine at codon 39 is replaced by proline, an amino acid with similar properties. This amino acid position is conserved. In addition, the in silico prediction for this alteration is inconclusive. Since supporting evidence is limited at this time, the clinical significance of this alteration remains unclear.

NM_058216.3(RAD51C):c.116T>C (p.Leu39Pro)

Gene: RAD51C (RAD51 paralog C; plus strand). Cytogenetic location: 17q22.
Variant type: single nucleotide variant.
Coding change: c.116T>C on transcript NM_058216.3 (MANE Select); coding-DNA position 116, T replaced by C.
Protein change: p.Leu39Pro; replaces leucine 39 with proline.
Molecular consequence: missense variant. On other transcripts: non-coding transcript variant (1).
Genome position (GRCh38, 1-based): chr17:58,692,759, T>C. VCF-style: chr17-58692759-T-C. GRCh37 (hg19) VCF-style: chr17-56770120-T-C.
Other names: c.116T>C, p.Leu39Pro (NM_002876.4, NM_058217.1); short protein forms L39P.
Identifiers: ClinVar variation 2447777 (VCV002447777.2), dbSNP rs2509262221, ClinGen allele CA400337535.